The following is an entry in ClinVar:

ClinVar aggregate classification (germline): Pathogenic. Review status: criteria provided, single submitter (1 of 4 stars). 2 submissions from 1 submitter: Pathogenic (1). 1 of the submissions does not count toward it. Last evaluated 2018-11-09.

Conditions:
Intellectual disability. Also called: Intellectual functioning disability; Intellectual developmental disorder; intellectual disabilities. Identifiers: MedGen C3714756, MeSH D008607, MONDO:0001071, HP:0001249.

Submissions (2):

Cytogénomique, Hospices Civils de Lyon
Classification: Pathogenic for Intellectual disability. Last evaluated: 2018-11-09. Review status: criteria provided, single submitter. Criteria: ACMG Guidelines, 2015. Collection method: clinical testing. Allele origin: de novo. Inheritance: Sporadic. Affected: yes.

Cytogénomique, Hospices Civils de Lyon
Classification: Pathogenic for Intellectual disability. Last evaluated: 2017-09-04. Review status: flagged submission. Criteria: ACMG Guidelines, 2015. Collection method: clinical testing. Allele origin: de novo. Inheritance: Autosomal dominant inheritance. Affected: yes. Not counted in ClinVar's aggregate classification.
ClinVar note: Reason: This record appears to be redundant with a more recent record from the same submitter.
ClinVar note: Notes: SCV000890000 appears to be redundant with SCV000852009.

NM_001378418.1(TCF20):c.3760dup (p.Arg1254fs)

Gene: TCF20 (transcription factor 20; minus strand). Cytogenetic location: 22q13.2.
Variant type: Duplication.
Coding change: c.3760dup on transcript NM_001378418.1 (MANE Select); coding-DNA position 3760, one base duplicated (A; older notation c.3760dupA).
Protein change: p.Arg1254fs; shifts the reading frame from arginine 1254.
Molecular consequence: frameshift variant.
Genome position (GRCh38, 1-based): chr22:42,211,546, T duplicated on the plus strand (A on the coding strand, the reverse complement: TCF20 is on the minus strand). VCF-style (leftmost placement, unchanged base first): chr22-42211545-C-CT. GRCh37 (hg19) VCF-style: chr22-42607551-C-CT.
Other names: c.3760dupA (NM_005650.3); c.3760dup, p.Arg1254fs (NM_005650.4, NM_181492.3); short protein forms R1254fs.
Identifiers: ClinVar variation 590792 (VCV000590792.4), dbSNP rs1569146649, ClinGen allele CA913190470.